The following is an entry in ClinVar:

NM_002528.7(NTHL1):c.863G>C (p.Arg288Pro)

Gene: NTHL1 (nth like DNA glycosylase 1; minus strand). Cytogenetic location: 16p13.3.
Variant type: single nucleotide variant.
Coding change: c.863G>C on transcript NM_002528.7 (MANE Select); coding-DNA position 863, G replaced by C.
Protein change: p.Arg288Pro; replaces arginine 288 with proline.
Molecular consequence: missense variant.
Genome position (GRCh38, 1-based): chr16:2,039,976, C>G on the plus strand (G>C on the coding strand, the complement: NTHL1 is on the minus strand). VCF-style: chr16-2039976-C-G. GRCh37 (hg19) VCF-style: chr16-2089977-C-G.
Other names: c.692G>C, p.Arg231Pro (NM_001318193.2); c.533G>C, p.Arg178Pro (NM_001318194.2); short protein forms R178P, R231P, R288P.
Identifiers: ClinVar variation 1026614 (VCV001026614.13), dbSNP rs148253565, ClinGen allele CA394287190.

ClinVar aggregate classification (germline): Uncertain significance. Review status: criteria provided, multiple submitters, no conflicts (2 of 4 stars). 3 submissions from 3 submitters: Uncertain significance (3). Last evaluated 2025-12-29.

Conditions:
Hereditary cancer-predisposing syndrome. Also called: Neoplastic Syndromes, Hereditary; Tumor predisposition; Hereditary Cancer Syndrome; Hereditary neoplastic syndrome. Identifiers: Orphanet 140162, MedGen C0027672, MeSH D009386, MONDO:0015356.

Submissions (3):

Center for Genomic Medicine, Rigshospitalet, Copenhagen University Hospital
Classification: Uncertain significance. Last evaluated: 2025-12-29. Review status: criteria provided, single submitter. Criteria: ACMG Guidelines, 2015. Collection method: clinical testing. Allele origin: germline.

Ambry Genetics
Classification: Uncertain significance for Hereditary cancer-predisposing syndrome. Last evaluated: 2024-11-23. Review status: criteria provided, single submitter. Criteria: Ambry Variant Classification Scheme 2023. Collection method: clinical testing. Allele origin: germline.
Comment: The p.R296P variant (also known as c.887G>C), located in coding exon 6 of the NTHL1 gene, results from a G to C substitution at nucleotide position 887. The arginine at codon 296 is replaced by proline, an amino acid with dissimilar properties. This amino acid position is conserved. In addition, this alteration is predicted to be deleterious by in silico analysis. Since supporting evidence is limited at this time, the clinical significance of this alteration remains unclear.

Labcorp Genetics (formerly Invitae), Labcorp
Classification: Uncertain significance. Last evaluated: 2024-08-26. Review status: criteria provided, single submitter. Criteria: Invitae Variant Classification Sherloc (09022015). Collection method: clinical testing. Allele origin: germline.
Comment: This sequence change replaces arginine, which is basic and polar, with proline, which is neutral and non-polar, at codon 296 of the NTHL1 protein (p.Arg296Pro). This variant is not present in population databases (gnomAD no frequency). This variant has not been reported in the literature in individuals affected with NTHL1-related conditions. ClinVar contains an entry for this variant (Variation ID: 1026614). An algorithm developed to predict the effect of missense changes on protein structure and function (PolyPhen-2) suggests that this variant is likely to be disruptive. In summary, the available evidence is currently insufficient to determine the role of this variant in disease. Therefore, it has been classified as a Variant of Uncertain Significance.